The following is an entry in ClinVar:

ClinVar aggregate classification (germline): Benign (0 of 4 stars; one submission).

Conditions:
MEF2A-related disorder. Also called: MEF2A-related condition.

Allele frequency attached by ClinVar (database versions not stated): 1000 Genomes Project 30x 0.59884; 1000 Genomes Project 0.61242; TOPMed 0.61987; ESP Exome Variant Server 0.64064; gnomAD 0.64580; ExAC 0.74705; gnomAD exomes 0.77808.
gnomAD v4.1: 1,233,320 of 1,611,158 alleles (77%); highest among the groups gnomAD compares: Middle Eastern, 87%; 482,743 homozygotes.

Submission:

PreventionGenetics, part of Exact Sciences
Classification: Benign for MEF2A-related condition. Last evaluated: 2019-10-17. Review status: no assertion criteria provided. Collection method: clinical testing. Allele origin: germline.
Comment: This variant is classified as benign based on ACMG/AMP sequence variant interpretation guidelines (Richards et al. 2015 PMID: 25741868, with internal and published modifications).

NM_001319206.4(MEF2A):c.885T>C (p.Asn295=)

Gene: MEF2A (myocyte enhancer factor 2A; plus strand). Cytogenetic location: 15q26.3.
Variant type: single nucleotide variant.
Coding change: c.885T>C on transcript NM_001319206.4 (MANE Select); coding-DNA position 885, T replaced by C.
Protein change: p.Asn295=; no amino-acid change (asparagine 295 retained).
Molecular consequence: synonymous variant. On other transcripts: intron variant (1).
Genome position (GRCh38, 1-based): chr15:99,706,731, T>C. VCF-style: chr15-99706731-T-C. GRCh37 (hg19) VCF-style: chr15-100246936-T-C.
Other names: c.861T>C, p.Asn287= (NM_001130926.5, NM_001171894.5, NM_001352614.4 and 15 more transcripts); c.681T>C, p.Asn227= (NM_001130927.5, NM_001365209.3); c.657T>C, p.Asn219= (NM_001130928.4, NM_001393559.2); c.885T>C, p.Asn295= (NM_001352616.4, NM_001365205.3, NM_001400031.1 and 5 more transcripts); c.867T>C, p.Asn289= (NM_001352617.4, NM_001365207.3, NM_001400038.1 and 8 more transcripts); c.879T>C, p.Asn293= (NM_001352618.4, NM_001365206.3, NM_001400037.1); c.903T>C, p.Asn301= (NM_001365201.3, NM_001365202.3); c.891T>C, p.Asn297= (NM_001365203.3, NM_001365204.3, NM_001400029.1 and 1 more transcripts); and 6 more.
Identifiers: ClinVar variation 3058865 (VCV003058865.2), dbSNP rs325408, ClinGen allele CA7755546.